The following is an entry in ClinVar:

ClinVar aggregate classification (germline): Uncertain significance (1 of 4 stars; one submission).

Conditions:
Inborn genetic diseases. Identifiers: MedGen C0950123, MeSH D030342.

gnomAD v4.1: 1 of 1,609,386 alleles (0.000062%); highest among the groups gnomAD compares: Non-Finnish European, 0.000085%; no homozygotes.

Submission:

Ambry Genetics
Classification: Uncertain significance for Inborn genetic diseases. Last evaluated: 2024-05-04. Review status: criteria provided, single submitter. Criteria: Ambry Variant Classification Scheme 2023. Collection method: clinical testing. Allele origin: germline.
Comment: The p.Y1916C variant (also known as c.5747A>G), located in coding exon 34 of the ATR gene, results from an A to G substitution at nucleotide position 5747. The tyrosine at codon 1916 is replaced by cysteine, an amino acid with highly dissimilar properties. This amino acid position is conserved. In addition, this alteration is predicted to be tolerated by in silico analysis. Based on the available evidence, the clinical significance of this variant remains unclear.

NM_001184.4(ATR):c.5747A>G (p.Tyr1916Cys)

Gene: ATR (ATR serine/threonine kinase; minus strand). Cytogenetic location: 3q23.
Variant type: single nucleotide variant.
Coding change: c.5747A>G on transcript NM_001184.4 (MANE Select); coding-DNA position 5747, A replaced by G.
Protein change: p.Tyr1916Cys; replaces tyrosine 1916 with cysteine.
Molecular consequence: missense variant.
Genome position (GRCh38, 1-based): chr3:142,496,512, T>C on the plus strand (A>G on the coding strand, the complement: ATR is on the minus strand). VCF-style: chr3-142496512-T-C. GRCh37 (hg19) VCF-style: chr3-142215354-T-C.
Other names: c.5555A>G, p.Tyr1852Cys (NM_001354579.2); short protein forms Y1916C, Y1852C.
Identifiers: ClinVar variation 3330996 (VCV003330996.1).